The following is an entry in ClinVar:

ClinVar aggregate classification (germline): Uncertain significance (1 of 4 stars; one submission).

Submission:

Women's Health and Genetics/Laboratory Corporation of America, LabCorp
Classification: Uncertain significance. Last evaluated: 2025-03-18. Review status: criteria provided, single submitter. Criteria: LabCorp Variant Classification Summary - May 2015. Collection method: clinical testing. Allele origin: germline.
Comment: Variant summary: The variant involves the duplication of exons 17-29 in the DMD gene. A presumed nomenclature of c.(1992+1_1993-1)_(4071+1_4072-1)dup has been designated for the purposes of this classification. It is assumed to be a tandem duplication in direct orientation (PMIDs: 25640679, 30054569). This Copy Number Variant (CNV) is predicted to result in an in-frame duplication within this gene. The variant was absent in 16120 control chromosomes (gnomAD, structural variants dataset). The available data on variant occurrences in the general population are insufficient to allow any conclusion about variant significance. To our knowledge, no occurrence of c.(1992+1_1993-1)_(4071+1_4072-1)dup in individuals affected with Dystrophinopathies and no experimental evidence demonstrating its impact on protein function have been reported. No submitters have cited clinical-significance assessments for this variant to ClinVar. Based on the evidence outlined above, the variant was classified as uncertain significance.

NC_000023.10:g.(32430031_32456357)_(32563452_32583818)dup

Gene: DMD (dystrophin; minus strand). Cytogenetic location: Xp21.1.
Variant type: Duplication.
Identifiers: ClinVar variation 3895577 (VCV003895577.1).